The following is an entry in ClinVar:

ClinVar aggregate classification (germline): Uncertain significance (1 of 4 stars; one submission).

Conditions:
Peroxisome biogenesis disorder, complementation group K (CGK). Identifiers: MedGen C1866257, MONDO:0800365.

Submission:

Labcorp Genetics (formerly Invitae), Labcorp
Classification: Uncertain significance for Peroxisome biogenesis disorder, complementation group K. Last evaluated: 2022-07-17. Review status: criteria provided, single submitter. Criteria: Invitae Variant Classification Sherloc (09022015). Collection method: clinical testing. Allele origin: germline.
Comment: In summary, the available evidence is currently insufficient to determine the role of this variant in disease. Therefore, it has been classified as a Variant of Uncertain Significance. Algorithms developed to predict the effect of missense changes on protein structure and function (SIFT, PolyPhen-2, Align-GVGD) all suggest that this variant is likely to be tolerated. This variant has not been reported in the literature in individuals affected with PEX14-related conditions. This variant is not present in population databases (gnomAD no frequency). This sequence change replaces proline, which is neutral and non-polar, with serine, which is neutral and polar, at codon 24 of the PEX14 protein (p.Pro24Ser).

NM_004565.3(PEX14):c.70C>T (p.Pro24Ser)

Gene: PEX14 (peroxisomal biogenesis factor 14; plus strand). Cytogenetic location: 1p36.22.
Variant type: single nucleotide variant.
Coding change: c.70C>T on transcript NM_004565.3 (MANE Select); coding-DNA position 70, C replaced by T.
Protein change: p.Pro24Ser; replaces proline 24 with serine.
Molecular consequence: missense variant.
Genome position (GRCh38, 1-based): chr1:10,495,307, C>T. VCF-style: chr1-10495307-C-T. GRCh37 (hg19) VCF-style: chr1-10555364-C-T.
Other names: short protein forms P24S.
Identifiers: ClinVar variation 2145616 (VCV002145616.4), dbSNP rs2522647101, ClinGen allele CA338682986.
Genomic context (GRCh38, chr1:10,495,307, plus strand): 5'-TATTTTTGTTTCCATTTTTCTCTGCAGCCAAGCTCTACTCCAGGAAGTGAAAATGTGCTG[C>T]CTCGAGAGCCGCTGGTAAGTACCCAAGATATGTGGTATCACTTTCTAGTAATTAAAATGC-3'
Protein context (NP_004556.1, residues 14-34): SSTPGSENVL[Pro24Ser]REPLIATAVK